The following is an entry in ClinVar:

ClinVar aggregate classification (germline): Uncertain significance (1 of 4 stars; one submission).

gnomAD v4.1: 1 of 1,613,780 alleles (0.000062%); no homozygotes.

Submission:

GeneDx
Classification: Uncertain significance. Last evaluated: 2024-05-06. Review status: criteria provided, single submitter. Criteria: GeneDx Variant Classification Process June 2021. Collection method: clinical testing. Allele origin: germline. Affected: yes.
Comment: Not observed at significant frequency in large population cohorts (gnomAD); In silico analysis supports that this missense variant has a deleterious effect on protein structure/function; Has not been previously published as pathogenic or benign to our knowledge

NM_021224.6(ZNF462):c.3167A>G (p.Glu1056Gly)

Gene: ZNF462 (zinc finger protein 462; plus strand). Cytogenetic location: 9q31.2.
Variant type: single nucleotide variant.
Coding change: c.3167A>G on transcript NM_021224.6 (MANE Select); coding-DNA position 3167, A replaced by G.
Protein change: p.Glu1056Gly; replaces glutamic acid 1056 with glycine.
Molecular consequence: missense variant.
Genome position (GRCh38, 1-based): chr9:106,927,079, A>G. VCF-style: chr9-106927079-A-G. GRCh37 (hg19) VCF-style: chr9-109689360-A-G.
Other names: c.3167A>G, p.Glu1056Gly (NM_001347997.2); short protein forms E1056G.
Identifiers: ClinVar variation 3375887 (VCV003375887.1).